The following is an entry in ClinVar:

ClinVar aggregate classification (germline): Uncertain significance. Review status: criteria provided, multiple submitters, no conflicts (2 of 4 stars). 3 submissions from 3 submitters: Uncertain significance (3). Last evaluated 2025-01-12.

Conditions:
Brugada syndrome. Also called: Sudden unexpected nocturnal death syndrome; Sudden unexplained nocturnal death syndrome; Sudden Unexplained Death Syndrome; Sudden Unexplained Nocturnal Death Syndrome (SUNDS). Identifiers: Orphanet 130, MedGen C1142166, MONDO:0015263.
Cardiovascular phenotype. Identifiers: MedGen CN230736.

Allele frequency attached by ClinVar (database versions not stated): ExAC 0.00001; gnomAD 0.00002; gnomAD exomes 0.00002; TOPMed 0.00002; ESP Exome Variant Server 0.00008.
gnomAD v4.1: 28 of 1,613,210 alleles (0.0017%); highest among the groups gnomAD compares: East Asian, 0.0067%; no homozygotes.

Submissions (3):

Labcorp Genetics (formerly Invitae), Labcorp
Classification: Uncertain significance for Brugada syndrome. Last evaluated: 2025-01-12. Review status: criteria provided, single submitter. Criteria: Invitae Variant Classification Sherloc (09022015). Collection method: clinical testing. Allele origin: germline.
Comment: This sequence change replaces arginine, which is basic and polar, with histidine, which is basic and polar, at codon 1121 of the SCN10A protein (p.Arg1121His). This variant is present in population databases (rs201588811, gnomAD 0.04%). This missense change has been observed in individual(s) with Brugada syndrome (PMID: 25691538). ClinVar contains an entry for this variant (Variation ID: 1730627). Invitae Evidence Modeling of protein sequence and biophysical properties (such as structural, functional, and spatial information, amino acid conservation, physicochemical variation, residue mobility, and thermodynamic stability) indicates that this missense variant is not expected to disrupt SCN10A protein function with a negative predictive value of 80%. In summary, the available evidence is currently insufficient to determine the role of this variant in disease. Therefore, it has been classified as a Variant of Uncertain Significance.

GeneDx
Classification: Uncertain significance. Last evaluated: 2024-03-11. Review status: criteria provided, single submitter. Criteria: GeneDx Variant Classification Process June 2021. Collection method: clinical testing. Allele origin: germline. Affected: yes.
Comment: Has not been previously published as pathogenic or benign to our knowledge; In silico analysis supports that this missense variant has a deleterious effect on protein structure/function; This variant is associated with the following publications: (PMID: 25691538)

Ambry Genetics
Classification: Uncertain significance for Cardiovascular phenotype. Last evaluated: 2019-04-04. Review status: criteria provided, single submitter. Criteria: Ambry Variant Classification Scheme 2023. Collection method: clinical testing. Allele origin: germline.
Comment: The p.R1121H variant (also known as c.3362G>A), located in coding exon 19 of the SCN10A gene, results from a G to A substitution at nucleotide position 3362. The arginine at codon 1121 is replaced by histidine, an amino acid with highly similar properties. An alternate amino acid substitution at this position, p.R112C, has been reported in one individual from a Brugada syndrome cohort (Behr ER et al. Cardiovasc. Res., 2015 Jun;106:520-9). This amino acid position is not well conserved in available vertebrate species, and histidine is the reference amino acid in other vertebrate species. In addition, this alteration is predicted to be tolerated by in silico analysis. Since supporting evidence is limited at this time, the clinical significance of this alteration remains unclear.

Literature cited by the submitters: PubMed 25691538 (cited by Labcorp Genetics (formerly Invitae), Labcorp and Ambry Genetics).

NM_006514.4(SCN10A):c.3362G>A (p.Arg1121His)

Genes: SCN10A (sodium voltage-gated channel alpha subunit 10; minus strand), LOC110121288 (VISTA enhancer hs2268; plus strand). Cytogenetic location: 3p22.2.
Variant type: single nucleotide variant.
Coding change: c.3362G>A on transcript NM_006514.4 (MANE Select); coding-DNA position 3362, G replaced by A.
Protein change: p.Arg1121His; replaces arginine 1121 with histidine.
Molecular consequence: missense variant.
Genome position (GRCh38, 1-based): chr3:38,722,403, C>T on the plus strand (G>A on the coding strand, the complement: SCN10A is on the minus strand). VCF-style: chr3-38722403-C-T. GRCh37 (hg19) VCF-style: chr3-38763894-C-T.
Other names: c.3359G>A, p.Arg1120His (NM_001293306.2); c.3068G>A, p.Arg1023His (NM_001293307.2); short protein forms R1120H, R1023H, R1121H.
Identifiers: ClinVar variation 1730627 (VCV001730627.6), dbSNP rs201588811, ClinGen allele CA2320251.